The following is an entry in ClinVar:

ClinVar aggregate classification (germline): Uncertain significance (1 of 4 stars; one submission).

Submission:

GeneDx
Classification: Uncertain significance. Last evaluated: 2022-06-30. Review status: criteria provided, single submitter. Criteria: GeneDx Variant Classification Process June 2021. Collection method: clinical testing. Allele origin: germline. Affected: yes.
Comment: Not observed at significant frequency in large population cohorts (gnomAD); In silico analysis supports that this missense variant has a deleterious effect on protein structure/function; Has not been previously published as pathogenic or benign to our knowledge

NM_001039591.3(USP9X):c.5041C>T (p.Arg1681Cys)

Gene: USP9X (ubiquitin specific peptidase 9 X-linked; plus strand). Cytogenetic location: Xp11.4.
Variant type: single nucleotide variant.
Coding change: c.5041C>T on transcript NM_001039591.3 (MANE Select); coding-DNA position 5041, C replaced by T.
Protein change: p.Arg1681Cys; replaces arginine 1681 with cysteine.
Molecular consequence: missense variant.
Genome position (GRCh38, 1-based): chrX:41,210,534, C>T. VCF-style: chrX-41210534-C-T. GRCh37 (hg19) VCF-style: chrX-41069787-C-T.
Other names: c.5041C>T, p.Arg1681Cys (NM_001039590.3); c.5056C>T, p.Arg1686Cys (NM_001410748.1, NM_001410749.1); short protein forms R1681C, R1686C.
Identifiers: ClinVar variation 1810039 (VCV001810039.1), dbSNP rs2519353083, ClinGen allele CA412783946.